The following is an entry in ClinVar:

ClinVar aggregate classification (germline): Uncertain significance (1 of 4 stars; one submission).

Conditions:
Cardiovascular phenotype. Identifiers: MedGen CN230736.

Submission:

Ambry Genetics
Classification: Uncertain significance for Cardiovascular phenotype. Last evaluated: 2022-08-29. Review status: criteria provided, single submitter. Criteria: Ambry Variant Classification Scheme 2023. Collection method: clinical testing. Allele origin: germline.
Comment: The p.E1343A variant (also known as c.4028A>C), located in coding exon 23 of the DSP gene, results from an A to C substitution at nucleotide position 4028. The glutamic acid at codon 1343 is replaced by alanine, an amino acid with dissimilar properties. This amino acid position is conserved. In addition, the in silico prediction for this alteration is inconclusive. Since supporting evidence is limited at this time, the clinical significance of this alteration remains unclear.

NM_004415.4(DSP):c.4028A>C (p.Glu1343Ala)

Gene: DSP (desmoplakin; plus strand). Cytogenetic location: 6p24.3.
Variant type: single nucleotide variant.
Coding change: c.4028A>C on transcript NM_004415.4 (MANE Select); coding-DNA position 4028, A replaced by C.
Protein change: p.Glu1343Ala; replaces glutamic acid 1343 with alanine.
Molecular consequence: missense variant. On other transcripts: intron variant (1).
Genome position (GRCh38, 1-based): chr6:7,580,218, A>C. VCF-style: chr6-7580218-A-C. GRCh37 (hg19) VCF-style: chr6-7580451-A-C.
Other names: c.4028A>C, p.Glu1343Ala (NM_001319034.2); c.3582+446A>C (NM_001008844.3); short protein forms E1343A.
Identifiers: ClinVar variation 1737156 (VCV001737156.2), dbSNP rs2533927172, ClinGen allele CA362685386.